The following is an entry in ClinVar:

ClinVar aggregate classification (germline): Uncertain significance (1 of 4 stars; one submission).

Allele frequency attached by ClinVar (database versions not stated): gnomAD exomes 0.00001.
gnomAD v4.1: 14 of 1,613,892 alleles (0.00087%); highest among the groups gnomAD compares: Non-Finnish European, 0.0012%; no homozygotes.

Submission:

Labcorp Genetics (formerly Invitae), Labcorp
Classification: Uncertain significance. Last evaluated: 2022-02-06. Review status: criteria provided, single submitter. Criteria: Invitae Variant Classification Sherloc (09022015). Collection method: clinical testing. Allele origin: germline.
Comment: In summary, the available evidence is currently insufficient to determine the role of this variant in disease. Therefore, it has been classified as a Variant of Uncertain Significance. This variant has not been reported in the literature in individuals affected with GEN1-related conditions. This variant is not present in population databases (gnomAD no frequency). This sequence change creates a premature translational stop signal (p.Gln569*) in the GEN1 gene. While this is not anticipated to result in nonsense mediated decay, it is expected to disrupt the last 340 amino acid(s) of the GEN1 protein.

NM_001130009.3(GEN1):c.1705C>T (p.Gln569Ter)

Gene: GEN1 (GEN1 structure-specific endonuclease; plus strand). Cytogenetic location: 2p24.2.
Variant type: single nucleotide variant.
Coding change: c.1705C>T on transcript NM_001130009.3 (MANE Select); coding-DNA position 1705, C replaced by T.
Protein change: p.Gln569Ter; replaces glutamine 569 with a stop codon.
Molecular consequence: nonsense.
Genome position (GRCh38, 1-based): chr2:17,780,917, C>T. VCF-style: chr2-17780917-C-T. GRCh37 (hg19) VCF-style: chr2-17962184-C-T.
Other names: c.1705C>T, p.Gln569Ter (NM_182625.5); short protein forms Q569*.
Identifiers: ClinVar variation 1936538 (VCV001936538.5), dbSNP rs2545627641, ClinGen allele CA345926444.